The following is an entry in ClinVar:

NM_004525.3(LRP2):c.11351G>A (p.Cys3784Tyr)

Gene: LRP2 (LDL receptor related protein 2; minus strand). Cytogenetic location: 2q31.1.
Variant type: single nucleotide variant.
Coding change: c.11351G>A on transcript NM_004525.3 (MANE Select); coding-DNA position 11351, G replaced by A.
Protein change: p.Cys3784Tyr; replaces cysteine 3784 with tyrosine.
Molecular consequence: missense variant.
Genome position (GRCh38, 1-based): chr2:169,170,580, C>T on the plus strand (G>A on the coding strand, the complement: LRP2 is on the minus strand). VCF-style: chr2-169170580-C-T. GRCh37 (hg19) VCF-style: chr2-170027090-C-T.
Other names: short protein forms C3784Y.
Identifiers: ClinVar variation 4536311 (VCV004536311.1).

ClinVar aggregate classification (germline): Uncertain significance (1 of 4 stars; one submission).

Submission:

GeneDx
Classification: Uncertain significance. Last evaluated: 2025-06-03. Review status: criteria provided, single submitter. Criteria: GeneDx Variant Classification Process June 2021. Collection method: clinical testing. Allele origin: germline. Affected: yes.
Comment: Not observed at significant frequency in large population cohorts (gnomAD); In silico analysis supports that this missense variant has a deleterious effect on protein structure/function; Has not been previously published as pathogenic or benign to our knowledge